The following is an entry in ClinVar:

NM_153000.5(APCDD1):c.893A>C (p.Gln298Pro)

Gene: APCDD1 (APC down-regulated 1; plus strand). Cytogenetic location: 18p11.22.
Variant type: single nucleotide variant.
Coding change: c.893A>C on transcript NM_153000.5 (MANE Select); coding-DNA position 893, A replaced by C.
Protein change: p.Gln298Pro; replaces glutamine 298 with proline.
Molecular consequence: missense variant.
Genome position (GRCh38, 1-based): chr18:10,485,580, A>C. VCF-style: chr18-10485580-A-C. GRCh37 (hg19) VCF-style: chr18-10485577-A-C.
Other names: short protein forms Q298P.
Identifiers: ClinVar variation 4701345 (VCV004701345.1).

ClinVar aggregate classification (germline): Uncertain significance (1 of 4 stars; one submission).

gnomAD v4.1: 2 of 1,613,958 alleles (0.00012%); highest among the groups gnomAD compares: African/African-American, 0.0027%; no homozygotes.

Submission:

Labcorp Genetics (formerly Invitae), Labcorp
Classification: Uncertain significance. Last evaluated: 2025-12-17. Review status: criteria provided, single submitter. Criteria: Invitae Variant Classification Sherloc (09022015). Collection method: clinical testing. Allele origin: germline.
Comment: This sequence change replaces glutamine, which is neutral and polar, with proline, which is neutral and non-polar, at codon 298 of the APCDD1 protein (p.Gln298Pro). This variant is present in population databases (no rsID available, gnomAD 0.007%). This variant has not been reported in the literature in individuals affected with APCDD1-related conditions. Invitae Evidence Modeling of protein sequence and biophysical properties (such as structural, functional, and spatial information, amino acid conservation, physicochemical variation, residue mobility, and thermodynamic stability) indicates that this missense variant is not expected to disrupt APCDD1 protein function with a negative predictive value of 80%. In summary, the available evidence is currently insufficient to determine the role of this variant in disease. Therefore, it has been classified as a Variant of Uncertain Significance.